The following is an entry in ClinVar:

ClinVar aggregate classification (germline): Uncertain significance (1 of 4 stars; one submission).

Submission:

CeGaT Center for Human Genetics Tuebingen
Classification: Uncertain significance. Last evaluated: 2025-07-01. Review status: criteria provided, single submitter. Criteria: CeGaT Center For Human Genetics Tuebingen Variant Classification Criteria Version 2. Collection method: clinical testing. Allele origin: germline. Affected: yes. Observed: 1 variant allele.
Comment: GRIA4: PM1, PM2, PP2

NM_000829.4(GRIA4):c.1823A>G (p.Gln608Arg)

Gene: GRIA4 (glutamate ionotropic receptor AMPA type subunit 4; plus strand). Cytogenetic location: 11q22.3.
Variant type: single nucleotide variant.
Coding change: c.1823A>G on transcript NM_000829.4 (MANE Select); coding-DNA position 1823, A replaced by G.
Protein change: p.Gln608Arg; replaces glutamine 608 with arginine.
Molecular consequence: missense variant. On other transcripts: non-coding transcript variant (1), intron variant (2).
Genome position (GRCh38, 1-based): chr11:105,924,745, A>G. VCF-style: chr11-105924745-A-G. GRCh37 (hg19) VCF-style: chr11-105795471-A-G.
Other names: c.1823A>G, p.Gln608Arg (NM_001077243.3, NM_001440382.1, NM_001440383.1 and 10 more transcripts); c.1802A>G, p.Gln601Arg (NM_001440388.1, NM_001440389.1, NM_001440390.1); c.1616A>G, p.Gln539Arg (NM_001440394.1); c.1455+5848A>G (NM_001440398.1); c.1158+19444A>G (NM_001440399.1); short protein forms Q539R, Q601R, Q608R.
Identifiers: ClinVar variation 4085301 (VCV004085301.8).